The following is an entry in ClinVar:

NM_000368.5(TSC1):c.1998-20C>T

Gene: TSC1 (TSC complex subunit 1; minus strand). Cytogenetic location: 9q34.13.
Variant type: single nucleotide variant.
Coding change: c.1998-20C>T on transcript NM_000368.5 (MANE Select); 20 bases into the intron before coding-DNA position 1998, C replaced by T.
Molecular consequence: intron variant.
Genome position (GRCh38, 1-based): chr9:132,904,474, G>A on the plus strand (C>T on the coding strand, the complement: TSC1 is on the minus strand). VCF-style: chr9-132904474-G-A. GRCh37 (hg19) VCF-style: chr9-135779861-G-A.
Other names: c.1635-20C>T (NM_001362177.2); c.1845-20C>T (NM_001162427.2); c.1995-20C>T (NM_001162426.2).
Identifiers: ClinVar variation 1597278 (VCV001597278.9), dbSNP rs1845550517, ClinGen allele CA1882412385.

ClinVar aggregate classification (germline): Likely benign. Review status: criteria provided, multiple submitters, no conflicts (2 of 4 stars). 2 submissions from 2 submitters: Likely benign (2). Last evaluated 2025-06-11.

Conditions:
Tuberous sclerosis 1 (TSC1). Identifiers: Orphanet 805, MedGen C1854465, MONDO:0008612, OMIM 191100.

Allele frequency attached by ClinVar (database versions not stated): TOPMed below 0.00001.

Submissions (2):

Labcorp Genetics (formerly Invitae), Labcorp
Classification: Likely benign for Tuberous sclerosis 1. Last evaluated: 2025-06-11. Review status: criteria provided, single submitter. Criteria: Invitae Variant Classification Sherloc (09022015). Collection method: clinical testing. Allele origin: germline.

Myriad Genetics, Inc.
Classification: Likely benign for Tuberous sclerosis 1. Last evaluated: 2025-04-24. Review status: criteria provided, single submitter. Criteria: Myriad Autosomal Dominant, Autosomal Recessive and X-Linked Classification Criteria (2023). Collection method: clinical testing. Allele origin: unknown.
Comment: This variant is considered likely benign. This variant is intronic and is not expected to impact mRNA splicing.